The following is an entry in ClinVar:

ClinVar aggregate classification (germline): Uncertain significance (1 of 4 stars; one submission).

Submission:

GeneDx
Classification: Uncertain significance. Last evaluated: 2019-04-30. Review status: criteria provided, single submitter. Criteria: GeneDx Variant Classification Process June 2021. Collection method: clinical testing. Allele origin: germline. Affected: yes.
Comment: Not observed in large population cohorts (Lek et al., 2016); In silico analysis, which includes protein predictors and evolutionary conservation, supports that this variant does not alter protein structure/function; Has not been previously published as pathogenic or benign to our knowledge

NM_000548.5(TSC2):c.3729G>C (p.Glu1243Asp)

Gene: TSC2 (TSC complex subunit 2; plus strand). Cytogenetic location: 16p13.3.
Variant type: single nucleotide variant.
Coding change: c.3729G>C on transcript NM_000548.5 (MANE Select); coding-DNA position 3729, G replaced by C.
Protein change: p.Glu1243Asp; replaces glutamic acid 1243 with aspartic acid.
Molecular consequence: missense variant.
Genome position (GRCh38, 1-based): chr16:2,081,713, G>C. VCF-style: chr16-2081713-G-C. GRCh37 (hg19) VCF-style: chr16-2131714-G-C.
Other names: c.3597G>C, p.Glu1199Asp (NM_001077183.3, NM_001370404.1); c.3729G>C, p.Glu1243Asp (NM_001114382.3); c.3489G>C, p.Glu1163Asp (NM_001318827.2); c.3453G>C, p.Glu1151Asp (NM_001318829.2); c.2997G>C, p.Glu999Asp (NM_001318831.2); c.3630G>C, p.Glu1210Asp (NM_001318832.2); c.3600G>C, p.Glu1200Asp (NM_001363528.2, NM_001370405.1, NM_021055.3); short protein forms E1151D, E1163D, E1199D, E1200D, E1210D, E1243D, E999D.
Identifiers: ClinVar variation 1305565 (VCV001305565.2), dbSNP rs2151483009, ClinGen allele CA394292857.
Genomic context (GRCh38, chr16:2,081,713, plus strand): 5'-CAACAACATGCCCCTGCAGGAGCTGTCTAACGCCCTCATGGCGGCTGAGCGCTTCAAGGA[G>C]CACCGGGACACAGCCCTGTACAAGTCACTGTCGGTGCCGGCAGCCAGCACGGCCAAACCC-3'
Protein context (NP_000539.2, residues 1233-1253): NALMAAERFK[Glu1243Asp]HRDTALYKSL